The following is an entry in ClinVar:

ClinVar aggregate classification (germline): Uncertain significance. Review status: criteria provided, multiple submitters, no conflicts (2 of 4 stars). 4 submissions from 4 submitters: Uncertain significance (4). Last evaluated 2025-06-19.

Conditions:
Hypertrophic cardiomyopathy. Also called: HYPERTROPHIC MYOCARDIOPATHY. Identifiers: Orphanet 217569, MedGen C0007194, MeSH D002312, MONDO:0005045, HP:0001639.
Cardiomyopathy (CMYO). Also called: Cardiomyopathies. Identifiers: Orphanet 167848, MedGen C0878544, MONDO:0004994, HP:0001638. Inheritance: Various modes of inheritance.

Allele frequency attached by ClinVar (database versions not stated): gnomAD exomes below 0.00001; TOPMed below 0.00001; ExAC 0.00001.

Submissions (4):

Color Diagnostics, LLC DBA Color Health
Classification: Uncertain significance for Cardiomyopathy. Last evaluated: 2025-06-19. Review status: criteria provided, single submitter. Criteria: ACMG Guidelines, 2015. Collection method: clinical testing. Allele origin: germline.
Comment: This missense variant replaces methionine with threonine at codon 1429 of the MYH7 protein. Computational prediction is inconclusive regarding the impact of this variant on protein structure and function. To our knowledge, functional studies have not been reported for this variant. This variant has not been reported in individuals affected with MYH7-related disorders in the literature. This variant has been identified in 2/251460 chromosomes in the general population by the Genome Aggregation Database (gnomAD). The available evidence is insufficient to determine the role of this variant in disease conclusively. Therefore, this variant is classified as a Variant of Uncertain Significance.

Labcorp Genetics (formerly Invitae), Labcorp
Classification: Uncertain significance for Hypertrophic cardiomyopathy. Last evaluated: 2025-05-05. Review status: criteria provided, single submitter. Criteria: Invitae Variant Classification Sherloc (09022015). Collection method: clinical testing. Allele origin: germline.
Comment: This sequence change replaces methionine, which is neutral and non-polar, with threonine, which is neutral and polar, at codon 1429 of the MYH7 protein (p.Met1429Thr). This variant is present in population databases (rs770176963, gnomAD 0.002%). This variant has not been reported in the literature in individuals affected with MYH7-related conditions. ClinVar contains an entry for this variant (Variation ID: 2644103). Invitae Evidence Modeling of protein sequence and biophysical properties (such as structural, functional, and spatial information, amino acid conservation, physicochemical variation, residue mobility, and thermodynamic stability) has been performed for this missense variant. However, the output from this modeling did not meet the statistical confidence thresholds required to predict the impact of this variant on MYH7 protein function. In summary, the available evidence is currently insufficient to determine the role of this variant in disease. Therefore, it has been classified as a Variant of Uncertain Significance.

CeGaT Center for Human Genetics Tuebingen
Classification: Uncertain significance. Last evaluated: 2023-08-01. Review status: criteria provided, single submitter. Criteria: CeGaT Center For Human Genetics Tuebingen Variant Classification Criteria Version 2. Collection method: clinical testing. Allele origin: germline. Affected: yes. Observed: 1 variant allele.
Comment: MYH7: PM2

All of Us Research Program, National Institutes of Health
Classification: Uncertain significance for Cardiomyopathy. Last evaluated: 2023-05-04. Review status: criteria provided, single submitter. Criteria: ACMG Guidelines, 2015. Collection method: clinical testing. Allele origin: germline. Inheritance: Autosomal dominant inheritance. Observed: 1 variant allele, 1 heterozygote.
Comment: This missense variant replaces methionine with threonine at codon 1429 of the MYH7 protein. Computational prediction is inconclusive regarding the impact of this variant on protein structure and function (internally defined REVEL score threshold 0.5 < inconclusive < 0.7, PMID: 27666373). To our knowledge, functional studies have not been reported for this variant. This variant has not been reported in individuals affected with MYH7-related disorders in the literature. This variant has been identified in 2/251460 chromosomes in the general population by the Genome Aggregation Database (gnomAD). The available evidence is insufficient to determine the role of this variant in disease conclusively. Therefore, this variant is classified as a Variant of Uncertain Significance.

This study involves interpretation of variants in research participants for the purpose of population health screening. Participant phenotype was not available at the time of variant classification. Additional details can be found in publication PMID: 35346344, PMCID: PMC8962531

NM_000257.4(MYH7):c.4286T>C (p.Met1429Thr)

Genes: MHRT (myosin heavy chain associated RNA transcript; plus strand), MYH7 (myosin heavy chain 7; minus strand). Cytogenetic location: 14q11.2.
Variant type: single nucleotide variant.
Coding change: c.4286T>C on transcript NM_000257.4 (MANE Select); coding-DNA position 4286, T replaced by C.
Protein change: p.Met1429Thr; replaces methionine 1429 with threonine.
Molecular consequence: missense variant. On other transcripts: non-coding transcript variant (1).
Genome position (GRCh38, 1-based): chr14:23,417,570, A>G on the plus strand (T>C on the coding strand, the complement: MYH7 is on the minus strand). VCF-style: chr14-23417570-A-G. GRCh37 (hg19) VCF-style: chr14-23886779-A-G.
Other names: c.4286T>C, p.Met1429Thr (NM_001407004.1); short protein forms M1429T.
Identifiers: ClinVar variation 2644103 (VCV002644103.29), dbSNP rs770176963, ClinGen allele CA041505.